The following is an entry in ClinVar:

NM_001077350.3(NPRL3):c.1401C>T (p.Ser467=)

Genes: HBA-LCR (alpha-globin locus control region; plus strand), NPRL3 (NPR3 like, GATOR1 complex subunit; minus strand). Cytogenetic location: 16p13.3.
Variant type: single nucleotide variant.
Coding change: c.1401C>T on transcript NM_001077350.3 (MANE Select); coding-DNA position 1401, C replaced by T.
Protein change: p.Ser467=; no amino-acid change (serine 467 retained).
Molecular consequence: synonymous variant.
Genome position (GRCh38, 1-based): chr16:88,841, G>A on the plus strand (C>T on the coding strand, the complement: NPRL3 is on the minus strand). VCF-style: chr16-88841-G-A. GRCh37 (hg19) VCF-style: chr16-138839-G-A.
Other names: c.864C>T, p.Ser288= (NM_001039476.3); c.1167C>T, p.Ser389= (NM_001243247.2); c.1326C>T, p.Ser442= (NM_001243248.2, NM_001243249.2); c.1401C>T (NM_001077350.2).
Identifiers: ClinVar variation 1142303 (VCV001142303.11), dbSNP rs758047816, ClinGen allele CA7769338.

ClinVar aggregate classification (germline): Likely benign. Review status: criteria provided, multiple submitters, no conflicts (2 of 4 stars). 3 submissions from 3 submitters: Likely benign (2). 1 of the submissions does not count toward it. Last evaluated 2026-09-01.

Conditions:
Epilepsy, familial focal, with variable foci 3 (FFEVF3). Identifiers: MedGen C4310708, MONDO:0014925, OMIM 617118.
NPRL3-related disorder. Also called: NPRL3-related condition.

Allele frequency attached by ClinVar (database versions not stated): gnomAD 0.00003; gnomAD exomes 0.00004; ExAC 0.00005.
gnomAD v4.1: 40 of 1,613,724 alleles (0.0025%); highest among the groups gnomAD compares: Admixed American, 0.005%; no homozygotes.

Submissions (3):

CeGaT Center for Human Genetics Tuebingen
Classification: Likely benign. Last evaluated: 2026-09-01. Review status: criteria provided, single submitter. Criteria: CeGaT Center For Human Genetics Tuebingen Variant Classification Criteria Version 2. Collection method: clinical testing. Allele origin: germline. Affected: yes. Observed: 1 variant allele.
Comment: NPRL3: BP4, BP7

Labcorp Genetics (formerly Invitae), Labcorp
Classification: Likely benign for Epilepsy, familial focal, with variable foci 3. Last evaluated: 2025-12-21. Review status: criteria provided, single submitter. Criteria: Invitae Variant Classification Sherloc (09022015). Collection method: clinical testing. Allele origin: germline.

PreventionGenetics, part of Exact Sciences
Classification: Likely benign for NPRL3-related condition. Last evaluated: 2024-06-21. Review status: no assertion criteria provided. Collection method: clinical testing. Allele origin: germline. Not counted in ClinVar's aggregate classification.
Comment: This variant is classified as likely benign based on ACMG/AMP sequence variant interpretation guidelines (Richards et al. 2015 PMID: 25741868, with internal and published modifications).